The following is an entry in ClinVar:

NM_001011.4(RPS7):c.507+3_507+9del

Gene: RPS7 (ribosomal protein S7; plus strand). Cytogenetic location: 2p25.3.
Variant type: Deletion.
Coding change: c.507+3_507+9del on transcript NM_001011.4 (MANE Select); bases 3 to 9 of the intron after coding-DNA position 507, 7 bases deleted (AATAGGT; older notation c.507+3_507+9delAATAGGT).
Molecular consequence: splice donor variant.
Genome position (GRCh38, 1-based): chr2:3,580,263-3,580,269, AATAGGT deleted; deleting any 7 consecutive bases within chr2:3,580,259-3,580,269 gives the same sequence; the c. name uses the placement nearest the transcript's 3' end. VCF-style (leftmost placement, unchanged base first): chr2-3580258-AAGGTAAT-A. GRCh37 (hg19) VCF-style: chr2-3627848-AAGGTAAT-A.
Identifiers: ClinVar variation 2633711 (VCV002633711.1), dbSNP rs2528184467, ClinGen allele CA2586968674.

ClinVar aggregate classification (germline): Uncertain significance (1 of 4 stars; one submission).

Conditions:
RPS7-related disorder. Also called: RPS7-related condition.

Submission:

PreventionGenetics, part of Exact Sciences
Classification: Uncertain significance for RPS7-related condition. Last evaluated: 2023-04-20. Review status: criteria provided, single submitter. Criteria: ACMG Guidelines, 2015. Collection method: clinical testing. Allele origin: germline.
Comment: The RPS7 c.507+3_507+9del7 variant is predicted to result in an intronic deletion. This variant is predicted to alter splicing based on available splicing prediction programs (Alamut Visual Plus v1.6.1). However, the use of computer prediction programs is not equivalent to functional evidence. This variant has been reported in an individual with Diamond Blackfan anemia (Table 1, Patient P030, Smetanina et al. 2020. Pediatric Blood & Cancer; 67(11): e28314. doi: DOI 10.1002/pbc.28314). This variant has not been reported in a large population database, indicating this variant is rare. Although we suspect that this variant may be pathogenic, at this time, the clinical significance of this variant is uncertain due to the absence of conclusive functional and genetic evidence.